The following is an entry in ClinVar:

ClinVar aggregate classification (germline): Conflicting classifications of pathogenicity. Review status: criteria provided, conflicting classifications (1 of 4 stars). 11 submissions from 11 submitters: Uncertain significance (3); Likely benign (7). 1 of the submissions does not count toward it. Last evaluated 2026-02-23.

Conditions:
Cardiovascular phenotype. Identifiers: MedGen CN230736.
DOLK-related disorder. Also called: DOLK-related condition.
DK1-congenital disorder of glycosylation. Also called: CONGENITAL DISORDER OF GLYCOSYLATION, TYPE Im; CDG Im; DK1-CDG; DOLK-congenital disorder of glycosylation; Carbohydrate deficient glycoprotein syndrome type 1m; DK1 DEFICIENCY. Identifiers: Orphanet 91131, MedGen C1835849, MONDO:0012556, OMIM 610768.

Allele frequency attached by ClinVar (database versions not stated): 1000 Genomes Project 30x 0.00078; ESP Exome Variant Server 0.00100; gnomAD 0.00104 and 0.00102; ExAC 0.00120; gnomAD exomes 0.00169 and 0.00120; 1000 Genomes Project 0.00100; TOPMed 0.00100.

Submissions (11):

Women's Health and Genetics/Laboratory Corporation of America, LabCorp
Classification: Likely benign. Last evaluated: 2026-02-23. Review status: criteria provided, single submitter. Criteria: LabCorp Variant Classification Summary - May 2015. Collection method: clinical testing. Allele origin: germline.
Comment: Variant summary: DOLK c.700A>G (p.Met234Val) results in a conservative amino acid change in the encoded protein sequence. Algorithms developed to predict the effect of missense changes on protein structure and function all suggest that this variant is likely to be tolerated. The variant allele was found at a frequency of 0.0012 in 251482 control chromosomes, predominantly at a frequency of 0.002 within the Non-Finnish European subpopulation in the gnomAD database. The observed variant frequency within Non-Finnish European control individuals in the gnomAD database exceeds the estimated maximal expected allele frequency for disease-causing variants in DOLK. To our knowledge, no occurrence of c.700A>G in individuals affected with DOLK-related conditions and no experimental evidence demonstrating its impact on protein function have been reported. ClinVar contains an entry for this variant (Variation ID: 95647). Based on the evidence outlined above, the variant was classified as likely benign.

Labcorp Genetics (formerly Invitae), Labcorp
Classification: Likely benign for DK1-congenital disorder of glycosylation. Last evaluated: 2026-02-02. Review status: criteria provided, single submitter. Criteria: Invitae Variant Classification Sherloc (09022015). Collection method: clinical testing. Allele origin: germline.

Molecular Diagnostic Laboratory for Inherited Cardiovascular Disease, Montreal Heart Institute
Classification: Likely benign. Last evaluated: 2025-04-09. Review status: criteria provided, single submitter. Criteria: ACMG Guidelines, 2015. Collection method: clinical testing. Allele origin: germline. Affected: no.

Blueprint Genetics
Classification: Likely benign. Last evaluated: 2024-11-18. Review status: criteria provided, single submitter. Criteria: ACMG Guidelines, 2015. Collection method: clinical testing. Allele origin: germline.

ARUP Laboratories, Molecular Genetics and Genomics, ARUP Laboratories
Classification: Likely benign for DK1-congenital disorder of glycosylation. Last evaluated: 2024-04-17. Review status: criteria provided, single submitter. Criteria: ARUP Molecular Germline Variant Investigation Process 2024. Collection method: clinical testing. Allele origin: germline.

Ambry Genetics
Classification: Likely benign for Cardiovascular phenotype. Last evaluated: 2023-11-21. Review status: criteria provided, single submitter. Criteria: Ambry Variant Classification Scheme 2023. Collection method: clinical testing. Allele origin: germline.

GeneDx
Classification: Likely benign. Last evaluated: 2021-04-20. Review status: criteria provided, single submitter. Criteria: GeneDx Variant Classification Process June 2021. Collection method: clinical testing. Allele origin: germline. Affected: yes.
Comment: This variant is associated with the following publications: (PMID: 23757202, 23806237)

Revvity Omics, Revvity
Classification: Uncertain significance for DK1-congenital disorder of glycosylation. Last evaluated: 2020-03-27. Review status: criteria provided, single submitter. Criteria: ACMG Guidelines, 2015. Collection method: clinical testing. Allele origin: germline.

Illumina Laboratory Services, Illumina
Classification: Uncertain significance for DK1-congenital disorder of glycosylation. Last evaluated: 2017-04-28. Review status: criteria provided, single submitter. Criteria: ICSL Variant Classification Criteria 13 December 2019. Collection method: clinical testing. Allele origin: germline.
Comment: This variant was observed as part of a predisposition screen in an ostensibly healthy population. A literature search was performed for the gene, cDNA change, and amino acid change (where applicable). Publications were found based on this search. However, the evidence from the literature, in combination with allele frequency data from public databases where available, was not sufficient to rule this variant in or out of causing disease. Therefore, this variant is classified as a variant of unknown significance.

Eurofins Ntd Llc (ga)
Classification: Uncertain significance. Last evaluated: 2012-10-08. Review status: criteria provided, single submitter. Criteria: EGL Classification Definitions 2015. Collection method: clinical testing. Allele origin: germline. Observed: 1 variant allele, 1 heterozygote.

PreventionGenetics, part of Exact Sciences
Classification: Likely benign for DOLK-related condition. Last evaluated: 2022-06-01. Review status: no assertion criteria provided. Collection method: clinical testing. Allele origin: germline. Not counted in ClinVar's aggregate classification.
Comment: This variant is classified as likely benign based on ACMG/AMP sequence variant interpretation guidelines (Richards et al. 2015 PMID: 25741868, with internal and published modifications).

Literature cited by the submitters: PubMed 23806237 (cited by Ambry Genetics and Illumina Laboratory Services, Illumina); PubMed 30775854 (cited by Ambry Genetics).

NM_014908.4(DOLK):c.700A>G (p.Met234Val)

Gene: DOLK (dolichol kinase; minus strand). Cytogenetic location: 9q34.11.
Variant type: single nucleotide variant.
Coding change: c.700A>G on transcript NM_014908.4 (MANE Select); coding-DNA position 700, A replaced by G.
Protein change: p.Met234Val; replaces methionine 234 with valine.
Molecular consequence: missense variant.
Genome position (GRCh38, 1-based): chr9:128,946,604, T>C on the plus strand (A>G on the coding strand, the complement: DOLK is on the minus strand). VCF-style: chr9-128946604-T-C. GRCh37 (hg19) VCF-style: chr9-131708883-T-C.
Identifiers: ClinVar variation 95647 (VCV000095647.67), dbSNP rs139787271, ClinGen allele CA223167.